The following is an entry in ClinVar:

NM_001972.4(ELANE):c.60G>A (p.Leu20=)

Gene: ELANE (elastase, neutrophil expressed; plus strand). Cytogenetic location: 19p13.3.
Variant type: single nucleotide variant.
Coding change: c.60G>A on transcript NM_001972.4 (MANE Select); coding-DNA position 60, G replaced by A.
Protein change: p.Leu20=; no amino-acid change (leucine 20 retained).
Molecular consequence: synonymous variant.
Genome position (GRCh38, 1-based): chr19:852,388, G>A. VCF-style: chr19-852388-G-A. GRCh37 (hg19) VCF-style: chr19-852388-G-A.
Other names: c.60G>A (LRG_57t1).
Identifiers: ClinVar variation 245741 (VCV000245741.2), dbSNP rs755546229, ClinGen allele CA9025908.

ClinVar aggregate classification (germline): Benign/Likely benign. Review status: criteria provided, multiple submitters, no conflicts (2 of 4 stars). 2 submissions from 2 submitters: Benign (1); Likely benign (1). Last evaluated 2026-04-22.

Conditions:
Inborn genetic diseases. Identifiers: MedGen C0950123, MeSH D030342.

Allele frequency attached by ClinVar (database versions not stated): ExAC 0.00001; gnomAD 0.00001 and below 0.00001; gnomAD exomes 0.00001 and 0.00002.
gnomAD v4.1: 14 of 1,611,244 alleles (0.00087%); highest among the groups gnomAD compares: South Asian, 0.013%; no homozygotes.

Submissions (2):

Ambry Genetics
Classification: Likely benign for Inborn genetic diseases. Last evaluated: 2026-04-22. Review status: criteria provided, single submitter. Criteria: Ambry Variant Classification Scheme 2023. Collection method: clinical testing. Allele origin: germline.

GeneDx
Classification: Benign. Last evaluated: 2015-04-24. Review status: criteria provided, single submitter. Criteria: GeneDx Variant Classification (06012015). Collection method: clinical testing. Allele origin: germline. Affected: yes.
Comment: This variant is considered likely benign or benign based on one or more of the following criteria: it is a conservative change, it occurs at a poorly conserved position in the protein, it is predicted to be benign by multiple in silico algorithms, and/or has population frequency not consistent with disease.